The following is an entry in ClinVar:

ClinVar aggregate classification (germline): Uncertain significance (1 of 4 stars; one submission).

gnomAD v4.1: 1 of 1,192,929 alleles (0.000084%); highest among the groups gnomAD compares: Non-Finnish European, 0.00011%; no homozygotes.

Submission:

GeneDx
Classification: Uncertain significance. Last evaluated: 2023-08-08. Review status: criteria provided, single submitter. Criteria: GeneDx Variant Classification Process June 2021. Collection method: clinical testing. Allele origin: germline. Affected: yes.
Comment: Not observed at significant frequency in large population cohorts (gnomAD); In silico analysis supports that this missense variant has a deleterious effect on protein structure/function; Has not been previously published as pathogenic or benign to our knowledge

NM_004586.3(RPS6KA3):c.1025C>T (p.Pro342Leu)

Gene: RPS6KA3 (ribosomal protein S6 kinase A3; minus strand). Cytogenetic location: Xp22.12.
Variant type: single nucleotide variant.
Coding change: c.1025C>T on transcript NM_004586.3 (MANE Select); coding-DNA position 1025, C replaced by T.
Protein change: p.Pro342Leu; replaces proline 342 with leucine.
Molecular consequence: missense variant.
Genome position (GRCh38, 1-based): chrX:20,176,327, G>A on the plus strand (C>T on the coding strand, the complement: RPS6KA3 is on the minus strand). VCF-style: chrX-20176327-G-A. GRCh37 (hg19) VCF-style: chrX-20194445-G-A.
Other names: short protein forms P342L.
Identifiers: ClinVar variation 3361916 (VCV003361916.1).
Genomic context (GRCh38, chrX:20,176,327, plus strand): 5'-GTAAACTCAGGATCAAAATAGAATGTATCTTCAGGCCTGCCCGTTGCAGGTTTAAATGGC[G>A]GATGAATTTCTCTTCTATACAGTTTCTGGAGGGGAAAAAAAAAAGAGACTTAGACATATT-3'
Protein context (NP_004577.1, residues 332-352): WNKLYRREIH[Pro342Leu]PFKPATGRPE